The following is an entry in ClinVar:

NM_018124.4(RFWD3):c.104TCC[1] (p.Leu36del)

Gene: RFWD3 (ring finger and WD repeat domain 3; minus strand). Cytogenetic location: 16q23.1.
Variant type: Microsatellite.
Coding change: c.104TCC[1] on transcript NM_018124.4 (MANE Select); one copy of the 3-base unit TCC starting at c.104; the reference has two copies in a row; one copy, 3 bases deleted.
Protein change: p.Leu36del; deletes leucine 36.
Molecular consequence: inframe deletion. On other transcripts: 5 prime UTR variant (4), intron variant (1).
Genome position (GRCh38, 1-based): chr16:74,661,341-74,661,343, GGA deleted on the plus strand (TCC on the coding strand, the reverse complement: RFWD3 is on the minus strand); deleting any 3 consecutive bases within chr16:74,661,341-74,661,348 gives the same sequence; the position shown is the placement nearest the transcript's 3' end. VCF-style (leftmost placement, unchanged base first): chr16-74661340-TGGA-T. GRCh37 (hg19) VCF-style: chr16-74695238-TGGA-T.
Other names: c.104TCC[1], p.Leu36del (NM_001370534.1, NM_001370535.1, NM_001370536.1); c.-905TCC[1] (NM_001370537.1); c.-528TCC[1] (NM_001370539.1); c.-530_-528CCT[1] (NM_001370541.1); c.-782TCC[1] (NM_001370542.1); c.-660TCC[1] (NM_001370543.1); c.-317+3281_-317+3283del (NM_001370540.1); short protein forms L36del.
Identifiers: ClinVar variation 2178156 (VCV002178156.4), dbSNP rs757029951, ClinGen allele CA8169647.

ClinVar aggregate classification (germline): Uncertain significance (1 of 4 stars; one submission).

Submission:

Labcorp Genetics (formerly Invitae), Labcorp
Classification: Uncertain significance. Last evaluated: 2025-09-09. Review status: criteria provided, single submitter. Criteria: Invitae Variant Classification Sherloc (09022015). Collection method: clinical testing. Allele origin: germline.
Comment: This variant, c.107_109del, results in the deletion of 1 amino acid(s) of the RFWD3 protein (p.Leu36del), but otherwise preserves the integrity of the reading frame. This variant is present in population databases (rs757029951, gnomAD 0.03%). This variant has not been reported in the literature in individuals affected with RFWD3-related conditions. Experimental studies and prediction algorithms are not available or were not evaluated, and the functional significance of this variant is currently unknown. In summary, the available evidence is currently insufficient to determine the role of this variant in disease. Therefore, it has been classified as a Variant of Uncertain Significance.